The following is an entry in ClinVar:

ClinVar aggregate classification (germline): Uncertain significance (1 of 4 stars; one submission).

gnomAD v4.1: 1 of 1,612,666 alleles (0.000062%); highest among the groups gnomAD compares: African/African-American, 0.0013%; no homozygotes.

Submission:

Labcorp Genetics (formerly Invitae), Labcorp
Classification: Uncertain significance. Last evaluated: 2025-06-25. Review status: criteria provided, single submitter. Criteria: Invitae Variant Classification Sherloc (09022015). Collection method: clinical testing. Allele origin: germline.
Comment: This sequence change replaces threonine, which is neutral and polar, with alanine, which is neutral and non-polar, at codon 179 of the ZFP57 protein (p.Thr179Ala). This variant is not present in population databases (gnomAD no frequency). This variant has not been reported in the literature in individuals affected with ZFP57-related conditions. An algorithm developed to predict the effect of missense changes on protein structure and function (PolyPhen-2) suggests that this variant is likely to be tolerated. In summary, the available evidence is currently insufficient to determine the role of this variant in disease. Therefore, it has been classified as a Variant of Uncertain Significance.

NM_001109809.5(ZFP57):c.535A>G (p.Thr179Ala)

Gene: ZFP57 (ZFP57 zinc finger protein; minus strand). Cytogenetic location: 6p22.1.
Variant type: single nucleotide variant.
Coding change: c.535A>G on transcript NM_001109809.5 (MANE Select); coding-DNA position 535, A replaced by G.
Protein change: p.Thr179Ala; replaces threonine 179 with alanine.
Molecular consequence: missense variant.
Genome position (GRCh38, 1-based): chr6:29,673,576, T>C on the plus strand (A>G on the coding strand, the complement: ZFP57 is on the minus strand). VCF-style: chr6-29673576-T-C. GRCh37 (hg19) VCF-style: chr6-29641353-T-C.
Other names: c.319A>G, p.Thr107Ala (NM_001366333.2); short protein forms T107A, T179A.
Identifiers: ClinVar variation 4701624 (VCV004701624.1).